The following is an entry in ClinVar:

ClinVar aggregate classification (germline): Uncertain significance. Review status: criteria provided, multiple submitters, no conflicts (2 of 4 stars). 3 submissions from 3 submitters: Uncertain significance (3). Last evaluated 2022-10-13.

Conditions:
Saldino-Mainzer syndrome (SRTD9). Also called: Renal dysplasia, retinal pigmentary dystrophy, cerebellar ataxia and skeletal dysplasia; SHORT-RIB THORACIC DYSPLASIA 9 WITHOUT POLYDACTYLY; CONORENAL SYNDROME; short-rib thoracic dysplasia 9 with or without polydactyly. Identifiers: Orphanet 140969, MedGen C1849437, MONDO:0009964, OMIM 266920.
Retinitis pigmentosa 80 (RP80). Identifiers: MedGen C4540439, MONDO:0054708, OMIM 617781.

Allele frequency attached by ClinVar (database versions not stated): TOPMed below 0.00001; ExAC 0.00002.
gnomAD v4.1: 2 of 1,602,062 alleles (0.00012%); highest among the groups gnomAD compares: Non-Finnish European, 0.00017%; no homozygotes.

Submissions (3):

Labcorp Genetics (formerly Invitae), Labcorp
Classification: Uncertain significance for Saldino-Mainzer syndrome. Last evaluated: 2022-10-13. Review status: criteria provided, single submitter. Criteria: Invitae Variant Classification Sherloc (09022015). Collection method: clinical testing. Allele origin: germline.
Comment: In summary, the available evidence is currently insufficient to determine the role of this variant in disease. Therefore, it has been classified as a Variant of Uncertain Significance. This sequence change replaces asparagine, which is neutral and polar, with serine, which is neutral and polar, at codon 876 of the IFT140 protein (p.Asn876Ser). This variant is present in population databases (rs775517181, gnomAD 0.001%). This variant has not been reported in the literature in individuals affected with IFT140-related conditions. ClinVar contains an entry for this variant (Variation ID: 954474). Advanced modeling of protein sequence and biophysical properties (such as structural, functional, and spatial information, amino acid conservation, physicochemical variation, residue mobility, and thermodynamic stability) performed at Invitae indicates that this missense variant is not expected to disrupt IFT140 protein function.

Fulgent Genetics
Classification: Uncertain significance for Saldino-Mainzer syndrome; Retinitis pigmentosa 80. Last evaluated: 2021-11-16. Review status: criteria provided, single submitter. Criteria: ACMG Guidelines, 2015. Collection method: clinical testing. Allele origin: unknown.

Blueprint Genetics
Classification: Uncertain significance. Last evaluated: 2018-06-15. Review status: criteria provided, single submitter. Criteria: ACMG Guidelines, 2015. Collection method: clinical testing. Allele origin: germline.

NM_014714.4(IFT140):c.2627A>G (p.Asn876Ser)

Gene: IFT140 (intraflagellar transport 140; minus strand). Cytogenetic location: 16p13.3.
Variant type: single nucleotide variant.
Coding change: c.2627A>G on transcript NM_014714.4 (MANE Select); coding-DNA position 2627, A replaced by G.
Protein change: p.Asn876Ser; replaces asparagine 876 with serine.
Molecular consequence: missense variant.
Genome position (GRCh38, 1-based): chr16:1,526,028, T>C on the plus strand (A>G on the coding strand, the complement: IFT140 is on the minus strand). VCF-style: chr16-1526028-T-C. GRCh37 (hg19) VCF-style: chr16-1576029-T-C.
Other names: short protein forms N876S.
Identifiers: ClinVar variation 954474 (VCV000954474.9), dbSNP rs775517181, ClinGen allele CA7813550.